The following is an entry in ClinVar:

NM_022436.3(ABCG5):c.1463+5G>A

Genes: ABCG5 (ATP binding cassette subfamily G member 5; minus strand), DYNC2LI1 (dynein cytoplasmic 2 light intermediate chain 1; plus strand). Cytogenetic location: 2p21.
Variant type: single nucleotide variant.
Coding change: c.1463+5G>A on transcript NM_022436.3 (MANE Select); 5 bases into the intron after coding-DNA position 1463, G replaced by A.
Molecular consequence: intron variant.
Genome position (GRCh38, 1-based): chr2:43,822,792, C>T on the plus strand (G>A on the coding strand, the complement: ABCG5 is on the minus strand). VCF-style: chr2-43822792-C-T. GRCh37 (hg19) VCF-style: chr2-44049931-C-T.
Other names: c.*16-4594C>T (NM_001348913.2, NM_001348912.2).
Identifiers: ClinVar variation 4862633 (VCV004862633.1).

ClinVar aggregate classification (germline): Uncertain significance (1 of 4 stars; one submission).

Conditions:
Cardiovascular phenotype. Identifiers: MedGen CN230736.

gnomAD v4.1: 18 of 1,614,020 alleles (0.0011%); highest among the groups gnomAD compares: Non-Finnish European, 0.0014%; no homozygotes.

Submission:

Ambry Genetics
Classification: Uncertain significance for Cardiovascular phenotype. Last evaluated: 2026-06-05. Review status: criteria provided, single submitter. Criteria: Ambry Variant Classification Scheme 2023. Collection method: clinical testing. Allele origin: germline.
Comment: The c.1463+5G>A intronic variant results from a G to A substitution 5 nucleotides after coding exon 10 in the ABCG5 gene. This nucleotide position is highly conserved in available vertebrate species. In silico splice site analysis predicts that this alteration will weaken the native splice donor site. Based on the available evidence, the clinical significance of this variant remains unclear.